The following is an entry in ClinVar:

NM_000178.4(GSS):c.1078C>T (p.Arg360Trp)

Gene: GSS (glutathione synthetase; minus strand). Cytogenetic location: 20q11.22.
Variant type: single nucleotide variant.
Coding change: c.1078C>T on transcript NM_000178.4 (MANE Select); coding-DNA position 1078, C replaced by T.
Protein change: p.Arg360Trp; replaces arginine 360 with tryptophan.
Molecular consequence: missense variant.
Genome position (GRCh38, 1-based): chr20:34,931,369, G>A on the plus strand (C>T on the coding strand, the complement: GSS is on the minus strand). VCF-style: chr20-34931369-G-A. GRCh37 (hg19) VCF-style: chr20-33519172-G-A.
Other names: c.1078C>T, p.Arg360Trp (NM_001322494.1, NM_001322495.1); short protein forms R360W.
Identifiers: ClinVar variation 2319955 (VCV002319955.7), dbSNP rs764687998, ClinGen allele CA9825880.

ClinVar aggregate classification (germline): Uncertain significance. Review status: criteria provided, multiple submitters, no conflicts (2 of 4 stars). 3 submissions from 3 submitters: Uncertain significance (3). Last evaluated 2024-03-13.

Conditions:
Inborn genetic diseases. Identifiers: MedGen C0950123, MeSH D030342.
Glutathione synthetase deficiency with 5-oxoprolinuria. Also called: PYROGLUTAMIC ACIDURIA; 5-Oxoprolinuria; Gluthathione synthetase deficiency; Reduced glutathione synthetase level; 5-OXOPROLINURIA DUE TO GLUTATHIONE SYNTHETASE DEFICIENCY. Identifiers: Orphanet 289846, MedGen C0398746, MONDO:0009947, OMIM 266130, HP:0003343.

Allele frequency attached by ClinVar (database versions not stated): gnomAD 0.00002; gnomAD exomes 0.00002; ExAC 0.00007; TOPMed 0.00007.
gnomAD v4.1: 34 of 1,614,190 alleles (0.0021%); highest among the groups gnomAD compares: Admixed American, 0.03%; no homozygotes.

Submissions (3):

Labcorp Genetics (formerly Invitae), Labcorp
Classification: Uncertain significance for Glutathione synthetase deficiency with 5-oxoprolinuria. Last evaluated: 2024-03-13. Review status: criteria provided, single submitter. Criteria: Invitae Variant Classification Sherloc (09022015). Collection method: clinical testing. Allele origin: germline.
Comment: This sequence change replaces arginine, which is basic and polar, with tryptophan, which is neutral and slightly polar, at codon 360 of the GSS protein (p.Arg360Trp). This variant is present in population databases (rs764687998, gnomAD 0.04%). This variant has not been reported in the literature in individuals affected with GSS-related conditions. ClinVar contains an entry for this variant (Variation ID: 2319955). Advanced modeling of protein sequence and biophysical properties (such as structural, functional, and spatial information, amino acid conservation, physicochemical variation, residue mobility, and thermodynamic stability) performed at Invitae indicates that this missense variant is expected to disrupt GSS protein function with a positive predictive value of 80%. In summary, the available evidence is currently insufficient to determine the role of this variant in disease. Therefore, it has been classified as a Variant of Uncertain Significance.

Revvity Omics, Revvity
Classification: Uncertain significance. Last evaluated: 2023-12-17. Review status: criteria provided, single submitter. Criteria: ACMG Guidelines, 2015. Collection method: clinical testing. Allele origin: germline.

Ambry Genetics
Classification: Uncertain significance for Inborn genetic diseases. Last evaluated: 2021-12-28. Review status: criteria provided, single submitter. Criteria: Ambry Variant Classification Scheme 2023. Collection method: clinical testing. Allele origin: germline.